The following is an entry in ClinVar:

ClinVar aggregate classification (germline): Pathogenic (1 of 4 stars; one submission).

Conditions:
PURA-related severe neonatal hypotonia-seizures-encephalopathy syndrome due to a point mutation. Identifiers: Orphanet 438216, MedGen CN924912, MONDO:0014512.

Submission:

Victorian Clinical Genetics Services, Murdoch Childrens Research Institute
Classification: Pathogenic for PURA-related severe neonatal hypotonia-seizures-encephalopathy syndrome due to a point mutation. Last evaluated: 2021-05-06. Review status: criteria provided, single submitter. Criteria: ACMG Guidelines, 2015. Collection method: clinical testing. Allele origin: germline. Inheritance: Autosomal dominant inheritance.
Comment: Based on the classification scheme VCGS_Germline_v1.3.4, this variant is classified as Pathogenic. Following criteria are met: 0105 - The mechanism of disease for this gene is not clearly established. (I) 0107 - This gene is associated with autosomal dominant disease. (I) 0204 - Variant is predicted to result in a truncated protein (PTV) (premature termination codon is NOT located at least 54 nucleotides upstream of the final exon-exon junction) with at least 1/3 of the protein sequence affected. (SP) 0251 - This variant is heterozygous. (I) 0301 - Variant is absent from gnomAD (both v2 and v3). (SP) 0701 - Other PTVs comparable to the one identified in this case have very strong previous evidence for pathogenicity. These variants have been reported pathogenic in clinical cases (ClinVar). (SP) 0802 - This variant has moderate previous evidence of pathogenicity in unrelated individuals. The substitution, c.363C>G, resulting in the same nonsense variant has previously been reported as pathogenic and de novo in a patient with seizures, hypotonia, and psychomotor delay (ClinVar, PMID 25439098). (SP) 0905 - No published segregation evidence has been identified for this variant. (I) 1007 - No published functional evidence has been identified for this variant. (I) 1208 - Inheritance information for this variant is not currently available in this individual. (I) Legend: (SP) - Supporting pathogenic, (I) - Information, (SB) - Supporting benign

Literature cited by the submitters: PubMed 25439098.

NM_005859.5(PURA):c.362dup (p.Tyr121Ter)

Gene: PURA (purine rich element binding protein A; plus strand). Cytogenetic location: 5q31.3.
Variant type: Duplication.
Coding change: c.362dup on transcript NM_005859.5 (MANE Select); coding-DNA position 362, one base duplicated (A; older notation c.362dupA).
Protein change: p.Tyr121Ter; replaces tyrosine 121 with a stop codon.
Molecular consequence: nonsense.
Genome position (GRCh38, 1-based): chr5:140,114,543, A duplicated. VCF-style (leftmost placement, unchanged base first): chr5-140114542-T-TA. GRCh37 (hg19) VCF-style: chr5-139494127-T-TA.
Other names: short protein forms Y121*.
Identifiers: ClinVar variation 1699169 (VCV001699169.3), dbSNP rs2126748969, ClinGen allele CA923726180.